The following is an entry in ClinVar:

ClinVar aggregate classification (germline): Uncertain significance. Review status: criteria provided, multiple submitters, no conflicts (2 of 4 stars). 3 submissions from 3 submitters: Uncertain significance (3). Last evaluated 2024-06-10.

Conditions:
Cardiovascular phenotype. Identifiers: MedGen CN230736.
Hereditary cancer-predisposing syndrome. Also called: Tumor predisposition; Hereditary Cancer Syndrome; Hereditary neoplastic syndrome; Neoplastic Syndromes, Hereditary. Identifiers: Orphanet 140162, MedGen C0027672, MeSH D009386, MONDO:0015356.
Neurofibromatosis, type 1 (NF1). Also called: VON RECKLINGHAUSEN DISEASE; NEUROFIBROMATOSIS, TYPE I, SOMATIC; Peripheral type neurofibromatosis; Neurofibromatosis, type I. Identifiers: Orphanet 636, MedGen C0027831, MONDO:0018975, OMIM 162200. Disease mechanism: loss of function.

Submissions (3):

Labcorp Genetics (formerly Invitae), Labcorp
Classification: Uncertain significance for Neurofibromatosis, type 1. Last evaluated: 2024-06-10. Review status: criteria provided, single submitter. Criteria: Invitae Variant Classification Sherloc (09022015). Collection method: clinical testing. Allele origin: germline.
Comment: This sequence change replaces aspartic acid, which is acidic and polar, with tyrosine, which is neutral and polar, at codon 1445 of the NF1 protein (p.Asp1445Tyr). This variant is not present in population databases (gnomAD no frequency). This variant has not been reported in the literature in individuals affected with NF1-related conditions. ClinVar contains an entry for this variant (Variation ID: 237565). Advanced modeling of protein sequence and biophysical properties (such as structural, functional, and spatial information, amino acid conservation, physicochemical variation, residue mobility, and thermodynamic stability) performed at Invitae indicates that this missense variant is expected to disrupt NF1 protein function with a positive predictive value of 95%. In summary, the available evidence is currently insufficient to determine the role of this variant in disease. Therefore, it has been classified as a Variant of Uncertain Significance.

GeneDx
Classification: Uncertain significance. Last evaluated: 2023-11-29. Review status: criteria provided, single submitter. Criteria: GeneDx Variant Classification Process June 2021. Collection method: clinical testing. Allele origin: germline. Affected: yes.
Comment: Not observed at significant frequency in large population cohorts (gnomAD); In silico analysis supports that this missense variant has a deleterious effect on protein structure/function; Has not been previously published as pathogenic or benign to our knowledge; This variant is associated with the following publications: (PMID: 25486365, 22807134)

Ambry Genetics
Classification: Uncertain significance for Cardiovascular phenotype; Hereditary cancer-predisposing syndrome. Last evaluated: 2023-01-12. Review status: criteria provided, single submitter. Criteria: Ambry Variant Classification Scheme 2023. Collection method: clinical testing. Allele origin: germline.
Comment: The p.D1445Y variant (also known as c.4333G>T), located in coding exon 32 of the NF1 gene, results from a G to T substitution at nucleotide position 4333. The aspartic acid at codon 1445 is replaced by tyrosine, an amino acid with highly dissimilar properties. This amino acid position is conserved. In addition, this alteration is predicted to be deleterious by in silico analysis. Since supporting evidence is limited at this time, the clinical significance of this alteration remains unclear.

NM_001042492.3(NF1):c.4396G>T (p.Asp1466Tyr)

Gene: NF1 (neurofibromin 1; plus strand). Cytogenetic location: 17q11.2.
Variant type: single nucleotide variant.
Coding change: c.4396G>T on transcript NM_001042492.3 (MANE Select); coding-DNA position 4396, G replaced by T.
Protein change: p.Asp1466Tyr; replaces aspartic acid 1466 with tyrosine.
Molecular consequence: missense variant.
Genome position (GRCh38, 1-based): chr17:31,259,095, G>T. VCF-style: chr17-31259095-G-T. GRCh37 (hg19) VCF-style: chr17-29586113-G-T.
Other names: c.4333G>T, p.Asp1445Tyr (NM_000267.4); short protein forms D1445Y, D1466Y.
Identifiers: ClinVar variation 237565 (VCV000237565.8), dbSNP rs878853895, ClinGen allele CA10583504.